The following is an entry in ClinVar:

NM_000287.4(PEX6):c.265G>C (p.Gly89Arg)

Gene: PEX6 (peroxisomal biogenesis factor 6; minus strand). Cytogenetic location: 6p21.1.
Variant type: single nucleotide variant.
Coding change: c.265G>C on transcript NM_000287.4 (MANE Select); coding-DNA position 265, G replaced by C.
Protein change: p.Gly89Arg; replaces glycine 89 with arginine.
Molecular consequence: missense variant. On other transcripts: non-coding transcript variant (1).
Genome position (GRCh38, 1-based): chr6:42,978,886, C>G on the plus strand (G>C on the coding strand, the complement: PEX6 is on the minus strand). VCF-style: chr6-42978886-C-G. GRCh37 (hg19) VCF-style: chr6-42946624-C-G.
Other names: c.265G>C, p.Gly89Arg (NM_001316313.2); short protein forms G89R.
Identifiers: ClinVar variation 3031045 (VCV003031045.2), dbSNP rs375220954, ClinGen allele CA138238581.
Genomic context (GRCh38, chr6:42,978,886, plus strand): 5'-CAAGCAGTGCCCAACCTAGCGCCGGGGGCCGCCGCACCGCCCGCGCCCGCACCCAGGCCC[C>G]GGAGCCCAGTGCCAGGAGCCGCAGCAGCGCGCGGCTAACCAGTAGCTGCGGCGGCCCGGG-3'
Protein context (NP_000278.3, residues 79-99): ALLRLLALGS[Gly89Arg]AWVRARAVRR

ClinVar aggregate classification (germline): Uncertain significance (0 of 4 stars; one submission).

Conditions:
PEX6-related disorder. Also called: PEX6-related condition; PEX6-related disorders.

Submission:

PreventionGenetics, part of Exact Sciences
Classification: Uncertain significance for PEX6-related condition. Last evaluated: 2023-12-05. Review status: no assertion criteria provided. Collection method: clinical testing. Allele origin: germline.
Comment: The PEX6 c.265G>C variant is predicted to result in the amino acid substitution p.Gly89Arg. To our knowledge, this variant has not been reported in the literature or in a large population database, indicating this variant is rare. At this time, the clinical significance of this variant is uncertain due to the absence of conclusive functional and genetic evidence.